The following is an entry in ClinVar:

NM_001081.4(CUBN):c.7646C>T (p.Thr2549Met)

Gene: CUBN (cubilin; minus strand). Cytogenetic location: 10p13.
Variant type: single nucleotide variant.
Coding change: c.7646C>T on transcript NM_001081.4 (MANE Select); coding-DNA position 7646, C replaced by T.
Protein change: p.Thr2549Met; replaces threonine 2549 with methionine.
Molecular consequence: missense variant.
Genome position (GRCh38, 1-based): chr10:16,907,567, G>A on the plus strand (C>T on the coding strand, the complement: CUBN is on the minus strand). VCF-style: chr10-16907567-G-A. GRCh37 (hg19) VCF-style: chr10-16949566-G-A.
Other names: short protein forms T2549M.
Identifiers: ClinVar variation 441098 (VCV000441098.11), dbSNP rs537292240, ClinGen allele CA5423291.

ClinVar aggregate classification (germline): Uncertain significance. Review status: criteria provided, multiple submitters, no conflicts (2 of 4 stars). 2 submissions from 2 submitters: Uncertain significance (2). Last evaluated 2026-01-27.

Conditions:
Imerslund-Grasbeck syndrome. Also called: ENTEROCYTE COBALAMIN MALABSORPTION; ENTEROCYTE INTRINSIC FACTOR RECEPTOR, DEFECT OF; Megaloblastic anemia due to inborn errors of metabolism; Imerslund-Gräsbeck syndrome; PERNICIOUS ANEMIA, JUVENILE, DUE TO SELECTIVE INTESTINAL MALABSORPTION OF VITAMIN B12, WITH PROTEINURIA. Identifiers: Orphanet 35858, MedGen C4551825, MONDO:0009853.

Allele frequency attached by ClinVar (database versions not stated): gnomAD exomes 0.00008 and 0.00016; ExAC 0.00009; gnomAD 0.00009 and 0.00010; TOPMed 0.00009; 1000 Genomes Project 30x 0.00016; 1000 Genomes Project 0.00020.
gnomAD v4.1: 253 of 1,614,020 alleles (0.016%); highest among the groups gnomAD compares: Non-Finnish European, 0.02%; no homozygotes.

Submissions (2):

Labcorp Genetics (formerly Invitae), Labcorp
Classification: Uncertain significance for Imerslund-Grasbeck syndrome. Last evaluated: 2026-01-27. Review status: criteria provided, single submitter. Criteria: Invitae Variant Classification Sherloc (09022015). Collection method: clinical testing. Allele origin: germline.
Comment: This sequence change replaces threonine, which is neutral and polar, with methionine, which is neutral and non-polar, at codon 2549 of the CUBN protein (p.Thr2549Met). This variant is present in population databases (rs537292240, gnomAD 0.01%). This variant has not been reported in the literature in individuals affected with CUBN-related conditions. ClinVar contains an entry for this variant (Variation ID: 441098). Invitae Evidence Modeling of protein sequence and biophysical properties (such as structural, functional, and spatial information, amino acid conservation, physicochemical variation, residue mobility, and thermodynamic stability) indicates that this missense variant is expected to disrupt CUBN protein function with a positive predictive value of 80%. In summary, the available evidence is currently insufficient to determine the role of this variant in disease. Therefore, it has been classified as a Variant of Uncertain Significance.

Blueprint Genetics
Classification: Uncertain significance. Last evaluated: 2024-07-19. Review status: criteria provided, single submitter. Criteria: ACMG Guidelines, 2015. Collection method: clinical testing. Allele origin: germline.